The following is an entry in ClinVar:

ClinVar aggregate classification (germline): Uncertain significance. Review status: criteria provided, multiple submitters, no conflicts (2 of 4 stars). 2 submissions from 2 submitters: Uncertain significance (2). Last evaluated 2025-09-06.

Conditions:
Hereditary cancer-predisposing syndrome. Also called: Hereditary Cancer Syndrome; Hereditary neoplastic syndrome; Neoplastic Syndromes, Hereditary; Tumor predisposition. Identifiers: Orphanet 140162, MedGen C0027672, MeSH D009386, MONDO:0015356.

gnomAD v4.1: 1 of 1,613,784 alleles (0.000062%); highest among the groups gnomAD compares: African/African-American, 0.0013%; no homozygotes.

Submissions (2):

Ambry Genetics
Classification: Uncertain significance for Hereditary cancer-predisposing syndrome. Last evaluated: 2025-09-06. Review status: criteria provided, single submitter. Criteria: Ambry Variant Classification Scheme 2023. Collection method: clinical testing. Allele origin: germline.
Comment: The p.A2040E variant (also known as c.6119C>A), located in coding exon 44 of the POLE gene, results from a C to A substitution at nucleotide position 6119. The alanine at codon 2040 is replaced by glutamic acid, an amino acid with dissimilar properties. This amino acid position is conserved. In addition, this alteration is predicted to be tolerated by in silico analysis. Since supporting evidence is limited at this time, the clinical significance of this alteration remains unclear.

Labcorp Genetics (formerly Invitae), Labcorp
Classification: Uncertain significance. Last evaluated: 2024-04-07. Review status: criteria provided, single submitter. Criteria: Invitae Variant Classification Sherloc (09022015). Collection method: clinical testing. Allele origin: germline.
Comment: This sequence change replaces alanine, which is neutral and non-polar, with glutamic acid, which is acidic and polar, at codon 2040 of the POLE protein (p.Ala2040Glu). This variant is not present in population databases (gnomAD no frequency). This variant has not been reported in the literature in individuals affected with POLE-related conditions. ClinVar contains an entry for this variant (Variation ID: 1751704). Advanced modeling of protein sequence and biophysical properties (such as structural, functional, and spatial information, amino acid conservation, physicochemical variation, residue mobility, and thermodynamic stability) performed at Invitae indicates that this missense variant is not expected to disrupt POLE protein function with a negative predictive value of 80%. In summary, the available evidence is currently insufficient to determine the role of this variant in disease. Therefore, it has been classified as a Variant of Uncertain Significance.

NM_006231.4(POLE):c.6119C>A (p.Ala2040Glu)

Gene: POLE (DNA polymerase epsilon, catalytic subunit; minus strand). Cytogenetic location: 12q24.33.
Variant type: single nucleotide variant.
Coding change: c.6119C>A on transcript NM_006231.4 (MANE Select); coding-DNA position 6119, C replaced by A.
Protein change: p.Ala2040Glu; replaces alanine 2040 with glutamic acid.
Molecular consequence: missense variant.
Genome position (GRCh38, 1-based): chr12:132,632,681, G>T on the plus strand (C>A on the coding strand, the complement: POLE is on the minus strand). VCF-style: chr12-132632681-G-T. GRCh37 (hg19) VCF-style: chr12-133209267-G-T.
Other names: short protein forms A2040E.
Identifiers: ClinVar variation 1751704 (VCV001751704.8), dbSNP rs5745021, ClinGen allele CA387370303.